The following is an entry in ClinVar:

ClinVar aggregate classification (germline): Likely benign. Review status: criteria provided, multiple submitters, no conflicts (2 of 4 stars). 3 submissions from 3 submitters: Likely benign (3). Last evaluated 2024-02-24.

Conditions:
Cardiomyopathy (CMYO). Also called: Cardiomyopathies. Identifiers: Orphanet 167848, MedGen C0878544, MONDO:0004994, HP:0001638. Inheritance: Various modes of inheritance.
Hypertrophic cardiomyopathy. Also called: HYPERTROPHIC MYOCARDIOPATHY. Identifiers: Orphanet 217569, MedGen C0007194, MeSH D002312, MONDO:0005045, HP:0001639.

Allele frequency attached by ClinVar (database versions not stated): TOPMed below 0.00001.
gnomAD v4.1: 1 of 1,614,186 alleles (0.000062%); highest among the groups gnomAD compares: Non-Finnish European, 0.000085%; no homozygotes.

Submissions (3):

Labcorp Genetics (formerly Invitae), Labcorp
Classification: Likely benign for Hypertrophic cardiomyopathy. Last evaluated: 2024-02-24. Review status: criteria provided, single submitter. Criteria: Invitae Variant Classification Sherloc (09022015). Collection method: clinical testing. Allele origin: germline.

Color Diagnostics, LLC DBA Color Health
Classification: Likely benign for Cardiomyopathy. Last evaluated: 2023-11-20. Review status: criteria provided, single submitter. Criteria: ACMG Guidelines, 2015. Collection method: clinical testing. Allele origin: germline.

Laboratory for Molecular Medicine, Mass General Brigham Personalized Medicine
Classification: Likely benign. Last evaluated: 2014-08-01. Review status: criteria provided, single submitter. Criteria: LMM Criteria. Collection method: clinical testing. Allele origin: germline. Observed: 1 variant allele.
Comment: Arg941Arg in exon 23 of MYH7: This variant is not expected to have clinical sign ificance because it does not alter an amino acid residue and is not located with in the splice consensus sequence. While computational tools do predict the creat ion of a novel 5' splice site, this information is not predictive enough to dete rmine pathogenicity.

NM_000257.4(MYH7):c.2823C>T (p.Arg941=)

Gene: MYH7 (myosin heavy chain 7; minus strand). Cytogenetic location: 14q11.2.
Variant type: single nucleotide variant.
Coding change: c.2823C>T on transcript NM_000257.4 (MANE Select); coding-DNA position 2823, C replaced by T.
Protein change: p.Arg941=; no amino-acid change (arginine 941 retained).
Molecular consequence: synonymous variant.
Genome position (GRCh38, 1-based): chr14:23,424,006, G>A on the plus strand (C>T on the coding strand, the complement: MYH7 is on the minus strand). VCF-style: chr14-23424006-G-A. GRCh37 (hg19) VCF-style: chr14-23893215-G-A.
Identifiers: ClinVar variation 164311 (VCV000164311.14), dbSNP rs727503251, ClinGen allele CA013141.